The following is an entry in ClinVar:

ClinVar aggregate classification (germline): Uncertain significance (1 of 4 stars; one submission).

Allele frequency attached by ClinVar (database versions not stated): gnomAD exomes below 0.00001; ExAC 0.00001.
gnomAD v4.1: 2 of 1,614,050 alleles (0.00012%); highest among the groups gnomAD compares: Non-Finnish European, 0.00017%; no homozygotes.

Submission:

Ambry Genetics
Classification: Uncertain significance. Last evaluated: 2023-01-25. Review status: criteria provided, single submitter. Criteria: Ambry Variant Classification Scheme 2023. Collection method: clinical testing. Allele origin: germline.
Comment: The p.I66T variant (also known as c.197T>C), located in coding exon 1 of the MNDA gene, results from a T to C substitution at nucleotide position 197. The isoleucine at codon 66 is replaced by threonine, an amino acid with similar properties. This amino acid position is conserved. In addition, the in silico prediction for this alteration is inconclusive. Since supporting evidence is limited at this time, the clinical significance of this alteration remains unclear.

NM_002432.3(MNDA):c.197T>C (p.Ile66Thr)

Gene: MNDA (myeloid cell nuclear differentiation antigen; plus strand). Cytogenetic location: 1q23.1.
Variant type: single nucleotide variant.
Coding change: c.197T>C on transcript NM_002432.3 (MANE Select); coding-DNA position 197, T replaced by C.
Protein change: p.Ile66Thr; replaces isoleucine 66 with threonine.
Molecular consequence: missense variant.
Genome position (GRCh38, 1-based): chr1:158,842,350, T>C. VCF-style: chr1-158842350-T-C. GRCh37 (hg19) VCF-style: chr1-158812140-T-C.
Other names: short protein forms I66T.
Identifiers: ClinVar variation 2497071 (VCV002497071.2), dbSNP rs746675050, ClinGen allele CA1185511.
Genomic context (GRCh38, chr1:158,842,350, plus strand): 5'-TTAAGATTACAGATTTGATGGAAAAAAAGTTCCAAGGCGTTGCCTGTCTAGACAAACTAA[T>C]AGAACTTGCCAAAGATATGCCATCACTTAAAAACCTTGTTAACAATCTTCGAAAAGAGAA-3'
Protein context (NP_002423.1, residues 56-76): FQGVACLDKL[Ile66Thr]ELAKDMPSLK